The following is an entry in ClinVar:

ClinVar aggregate classification (germline): Benign (1 of 4 stars; one submission).

Allele frequency attached by ClinVar (database versions not stated): 1000 Genomes Project 30x 0.05012; 1000 Genomes Project 0.05092; TOPMed 0.05185; gnomAD 0.05849 and 0.05890.
gnomAD v4.1: 8,946 of 151,654 alleles (5.9%); highest among the groups gnomAD compares: Non-Finnish European, 7.4%; 326 homozygotes.

Submission:

GeneDx
Classification: Benign. Last evaluated: 2018-06-16. Review status: criteria provided, single submitter. Criteria: GeneDx Variant Classification (06012015). Collection method: clinical testing. Allele origin: germline. Affected: yes.
Comment: This variant is considered likely benign or benign based on one or more of the following criteria: it is a conservative change, it occurs at a poorly conserved position in the protein, it is predicted to be benign by multiple in silico algorithms, and/or has population frequency not consistent with disease.

NM_139276.3(STAT3):c.468+197C>T

Gene: STAT3 (signal transducer and activator of transcription 3; minus strand). Cytogenetic location: 17q21.2.
Variant type: single nucleotide variant.
Coding change: c.468+197C>T on transcript NM_139276.3 (MANE Select); 197 bases into the intron after coding-DNA position 468, C replaced by T.
Molecular consequence: intron variant.
Genome position (GRCh38, 1-based): chr17:42,339,117, G>A on the plus strand (C>T on the coding strand, the complement: STAT3 is on the minus strand). VCF-style: chr17-42339117-G-A. GRCh37 (hg19) VCF-style: chr17-40491135-G-A.
Other names: c.373-305C>T (NM_001384989.1); c.468+197C>T (NM_001384992.1, NM_001384984.1, NM_001369519.1 and 15 more transcripts); c.390+197C>T (NM_001384985.1).
Identifiers: ClinVar variation 674422 (VCV000674422.1), dbSNP rs116920984, ClinGen allele CA290743441.